The following is an entry in ClinVar:

NM_001943.5(DSG2):c.2861G>A (p.Gly954Asp)

Genes: DSG2 (desmoglein 2; plus strand), DSG2-AS1 (DSG2 antisense RNA 1; minus strand). Cytogenetic location: 18q12.1.
Variant type: single nucleotide variant.
Coding change: c.2861G>A on transcript NM_001943.5 (MANE Select); coding-DNA position 2861, G replaced by A.
Protein change: p.Gly954Asp; replaces glycine 954 with aspartic acid.
Molecular consequence: missense variant.
Genome position (GRCh38, 1-based): chr18:31,546,247, G>A. VCF-style: chr18-31546247-G-A. GRCh37 (hg19) VCF-style: chr18-29126210-G-A.
Other names: short protein forms G954D.
Identifiers: ClinVar variation 919394 (VCV000919394.5), dbSNP rs1397270448, ClinGen allele CA402147152.

ClinVar aggregate classification (germline): Uncertain significance. Review status: criteria provided, multiple submitters, no conflicts (2 of 4 stars). 2 submissions from 2 submitters: Uncertain significance (2). Last evaluated 2024-03-06.

Conditions:
Cardiomyopathy (CMYO). Also called: Cardiomyopathies. Identifiers: Orphanet 167848, MedGen C0878544, MONDO:0004994, HP:0001638. Inheritance: Various modes of inheritance.
Arrhythmogenic right ventricular dysplasia 10. Also called: Arrhythmogenic Right Ventricular Dysplasia/Cardiomyopathy10; ARRHYTHMOGENIC RIGHT VENTRICULAR DYSPLASIA, FAMILIAL, 10; Arrhythmogenic right ventricular dysplasia/cardiomyopathy, type 10. Identifiers: MedGen C1857777, MONDO:0012434, OMIM 610193.

Allele frequency attached by ClinVar (database versions not stated): gnomAD exomes below 0.00001; TOPMed 0.00001.

Submissions (2):

Color Diagnostics, LLC DBA Color Health
Classification: Uncertain significance for Cardiomyopathy. Last evaluated: 2024-03-06. Review status: criteria provided, single submitter. Criteria: ACMG Guidelines, 2015. Collection method: clinical testing. Allele origin: germline.
Comment: This missense variant replaces glycine with aspartic acid at codon 954 of the DSG2 protein. Computational prediction suggests that this variant may not impact protein structure and function (internally defined REVEL score threshold <= 0.5, PMID: 27666373). Splice site prediction tools suggest that this variant may not impact RNA splicing. To our knowledge, functional studies have not been performed for this variant. This variant has not been reported in individuals affected with cardiovascular disorders in the literature. This variant has been identified in 1/243658 chromosomes in the general population by the Genome Aggregation Database (gnomAD). The available evidence is insufficient to determine the role of this variant in disease conclusively. Therefore, this variant is classified as a Variant of Uncertain Significance.

Labcorp Genetics (formerly Invitae), Labcorp
Classification: Uncertain significance for Arrhythmogenic right ventricular dysplasia 10. Last evaluated: 2022-12-23. Review status: criteria provided, single submitter. Criteria: Invitae Variant Classification Sherloc (09022015). Collection method: clinical testing. Allele origin: germline.
Comment: ClinVar contains an entry for this variant (Variation ID: 919394). In summary, the available evidence is currently insufficient to determine the role of this variant in disease. Therefore, it has been classified as a Variant of Uncertain Significance. Advanced modeling of protein sequence and biophysical properties (such as structural, functional, and spatial information, amino acid conservation, physicochemical variation, residue mobility, and thermodynamic stability) performed at Invitae indicates that this missense variant is not expected to disrupt DSG2 protein function. This variant has not been reported in the literature in individuals affected with DSG2-related conditions. This variant is present in population databases (no rsID available, gnomAD 0.006%). This sequence change replaces glycine, which is neutral and non-polar, with aspartic acid, which is acidic and polar, at codon 954 of the DSG2 protein (p.Gly954Asp).